The following is an entry in ClinVar:

ClinVar aggregate classification (germline): Uncertain significance (1 of 4 stars; one submission).

Submission:

Labcorp Genetics (formerly Invitae), Labcorp
Classification: Uncertain significance. Last evaluated: 2025-07-27. Review status: criteria provided, single submitter. Criteria: Invitae Variant Classification Sherloc (09022015). Collection method: clinical testing. Allele origin: germline.
Comment: This sequence change replaces histidine, which is basic and polar, with arginine, which is basic and polar, at codon 191 of the IKZF1 protein (p.His191Arg). This variant is not present in population databases (gnomAD no frequency). This variant has not been reported in the literature in individuals affected with IKZF1-related conditions. An algorithm developed to predict the effect of missense changes on protein structure and function (PolyPhen-2) suggests that this variant is likely to be disruptive. Experimental studies have shown that this missense change affects IKZF1 function (PMID: 12871645, 26981933). In summary, the available evidence is currently insufficient to determine the role of this variant in disease. Therefore, it has been classified as a Variant of Uncertain Significance.

Literature cited by the submitters: PubMed 12871645; PubMed 26981933.

NM_006060.6(IKZF1):c.572A>G (p.His191Arg)

Gene: IKZF1 (IKAROS family zinc finger 1; plus strand). Cytogenetic location: 7p12.2.
Variant type: single nucleotide variant.
Coding change: c.572A>G on transcript NM_006060.6 (MANE Select); coding-DNA position 572, A replaced by G.
Protein change: p.His191Arg; replaces histidine 191 with arginine.
Molecular consequence: missense variant. On other transcripts: intron variant (6).
Genome position (GRCh38, 1-based): chr7:50,382,690, A>G. VCF-style: chr7-50382690-A-G. GRCh37 (hg19) VCF-style: chr7-50450388-A-G.
Other names: c.572A>G, p.His191Arg (NM_001220765.3, NM_001220768.2, NM_001291837.2); c.311A>G, p.His104Arg (NM_001220767.2, NM_001220770.2, NM_001291838.2 and 1 more transcripts); c.632A>G, p.His211Arg (NM_001410879.1); c.421+5897A>G (NM_001220771.2); c.161-4655A>G (NM_001291841.1, NM_001291842.1); c.161-9039A>G (NM_001291843.1, NM_001291844.1); c.161-17228A>G (NM_001291840.1); short protein forms H191R, H211R, H104R.
Identifiers: ClinVar variation 4724134 (VCV004724134.1).
Genomic context (GRCh38, chr7:50,382,690, plus strand): 5'-AGCCCTTCAAATGCCACCTCTGCAACTACGCCTGCCGCCGGAGGGACGCCCTCACTGGCC[A>G]CCTGAGGACGCACTCCGGTAGGTCCCCTGGATGCAGTCCGGGGCTGTCTGGGTGTCCCGG-3'
Protein context (NP_006051.1, residues 181-201): ACRRRDALTG[His191Arg]LRTHSVGKPH